The following is an entry in ClinVar:

ClinVar aggregate classification (germline): Uncertain significance (1 of 4 stars; one submission).

gnomAD v4.1: 3 of 1,576,804 alleles (0.00019%); highest among the groups gnomAD compares: Non-Finnish European, 0.00026%; no homozygotes.

Submission:

GeneDx
Classification: Uncertain significance. Last evaluated: 2023-12-29. Review status: criteria provided, single submitter. Criteria: GeneDx Variant Classification Process June 2021. Collection method: clinical testing. Allele origin: germline. Affected: yes.
Comment: Not observed at significant frequency in large population cohorts (gnomAD); In silico analysis supports that this missense variant does not alter protein structure/function; Has not been previously published as pathogenic or benign to our knowledge

NM_001199397.3(NEK1):c.2566G>A (p.Glu856Lys)

Gene: NEK1 (NIMA related kinase 1; minus strand). Cytogenetic location: 4q33.
Variant type: single nucleotide variant.
Coding change: c.2566G>A on transcript NM_001199397.3 (MANE Select); coding-DNA position 2566, G replaced by A.
Protein change: p.Glu856Lys; replaces glutamic acid 856 with lysine.
Molecular consequence: missense variant. On other transcripts: non-coding transcript variant (1).
Genome position (GRCh38, 1-based): chr4:169,463,264, C>T on the plus strand (G>A on the coding strand, the complement: NEK1 is on the minus strand). VCF-style: chr4-169463264-C-T. GRCh37 (hg19) VCF-style: chr4-170384415-C-T.
Other names: c.2434G>A, p.Glu812Lys (NM_001199398.3); c.2275G>A, p.Glu759Lys (NM_001199399.3); c.2350G>A, p.Glu784Lys (NM_001199400.3); c.2566G>A, p.Glu856Lys (NM_001374418.1); c.2482G>A, p.Glu828Lys (NM_001374419.1, NM_012224.4); c.2431G>A, p.Glu811Lys (NM_001374420.1); c.2260G>A, p.Glu754Lys (NM_001374421.1); short protein forms E754K, E759K, E784K, E811K, E812K, E828K, E856K.
Identifiers: ClinVar variation 3370127 (VCV003370127.1).
Genomic context (GRCh38, chr4:169,463,264, plus strand): 5'-ATTACTTCTAGTATAGAAAAACTACCAGTTTCTCCTTACCACTTCTAATAGTTGTATTTT[C>T]TAATAGTTCTGTCTGAAGTTGTAGTTCAGCTTCTCCAAGTATCTTTAGAACAGAATCTGT-3'
Protein context (NP_001186326.1, residues 846-866): AELQLQTELL[Glu856Lys]NTTIRSEISP